The following is an entry in ClinVar:

NM_130839.5(UBE3A):c.2589C>A (p.Ile863=)

Genes: SNHG14 (small nucleolar RNA host gene 14; plus strand), UBE3A (ubiquitin protein ligase E3A; minus strand). Cytogenetic location: 15q11.2.
Variant type: single nucleotide variant.
Coding change: c.2589C>A on transcript NM_130839.5 (MANE Select); coding-DNA position 2589, C replaced by A.
Protein change: p.Ile863=; no amino-acid change (isoleucine 863 retained).
Molecular consequence: synonymous variant. On other transcripts: non-coding transcript variant (1).
Genome position (GRCh38, 1-based): chr15:25,339,167, G>T on the plus strand (C>A on the coding strand, the complement: UBE3A is on the minus strand). VCF-style: chr15-25339167-G-T. GRCh37 (hg19) VCF-style: chr15-25584314-G-T.
Other names: c.2598C>A, p.Ile866= (NM_000462.5); c.2589C>A, p.Ile863= (NM_001354505.1, NM_001354538.2); c.2529C>A, p.Ile843= (NM_001354506.2, NM_001354507.2, NM_001354508.2 and 14 more transcripts); c.2433C>A, p.Ile811= (NM_001354545.2); c.2412C>A, p.Ile804= (NM_001354546.2); c.2373C>A, p.Ile791= (NM_001354547.2, NM_001354548.2); c.2364C>A, p.Ile788= (NM_001354549.2); c.1338C>A, p.Ile446= (NM_001354550.2); and 1 more.
Identifiers: ClinVar variation 1219516 (VCV001219516.3), dbSNP rs1414220524, ClinGen allele CA488871575.

ClinVar aggregate classification (germline): Uncertain significance (1 of 4 stars; one submission).

Submission:

GeneDx
Classification: Uncertain significance. Last evaluated: 2019-08-30. Review status: criteria provided, single submitter. Criteria: GeneDx Variant Classification Process June 2021. Collection method: clinical testing. Allele origin: germline. Affected: yes.
Comment: Not observed in large population cohorts (Lek et al., 2016); In silico analysis, which includes splice predictors and evolutionary conservation, supports that this variant does not alter protein structure/function; Has not been previously published as pathogenic or benign to our knowledge